The following is an entry in ClinVar:

ClinVar aggregate classification (germline): Conflicting classifications of pathogenicity. Review status: criteria provided, conflicting classifications (1 of 4 stars). 10 submissions from 10 submitters: Pathogenic (2); Likely pathogenic (3); Uncertain significance (5). Last evaluated 2026-07-16.

Conditions:
Sitosterolemia 1. Identifiers: MedGen C2749759, MONDO:0020747, OMIM 210250.
Sitosterolemia (STSL). Also called: PHYTOSTEROLEMIA. Identifiers: Orphanet 2882, MedGen C0342907, MONDO:0008863.
ABCG8-related disorder. Also called: ABCG8-related condition.
Cardiovascular phenotype. Identifiers: MedGen CN230736.

Allele frequency attached by ClinVar (database versions not stated): TOPMed 0.00005; gnomAD exomes 0.00007 and 0.00010; gnomAD 0.00008; ExAC 0.00011.
gnomAD v4.1: 118 of 1,613,958 alleles (0.0073%); highest among the groups gnomAD compares: Middle Eastern, 0.033%; no homozygotes.

Submissions (10):

Clinical Genetics Laboratory, Skane University Hospital Lund
Classification: Pathogenic for Sitosterolemia 1. Last evaluated: 2026-07-16. Review status: criteria provided, single submitter. Criteria: ACMG Guidelines, 2015. Collection method: clinical testing. Allele origin: germline. Inheritance: Autosomal recessive inheritance. Affected: yes.
Comment: ACMG criteria used: PM2, PM3_Strong, PP2, PP3, PP4_Moderate.

PreventionGenetics, part of Exact Sciences
Classification: Likely pathogenic for ABCG8-related condition. Last evaluated: 2026-02-11. Review status: criteria provided, single submitter. Criteria: ACMG Guidelines, 2015. Collection method: clinical testing. Allele origin: germline.
Comment: The ABCG8 c.1715T>C variant is predicted to result in the amino acid substitution p.Leu572Pro. This variant has been reported in the compound heterozygous and homozygous states in multiple unrelated individuals with sitosterolemia (Lu et al. 2001. PubMed ID: 11452359; Mahzari. 2023. PubMed ID: 36937651; Miroshnikova et al. 2023. PubMed ID: 37888103). In addition, this variant has been documented in the heterozygous state as uncertain in cohort studies of familial hypercholesterolemia (Reeskamp et al. 2020. PubMed ID: 32088153; Totoń-Żurańska. 2023. PubMed ID: 36648309; and Stefanucci et al. 2023. PubMed ID: 37647632). This variant is reported in 0.024% of alleles in individuals of European (Finnish) descent in gnomAD and has conflicting classifications in ClinVar ranging from uncertain to likely pathogenic (Variation ID: 596947). Based on this evidence, we interpret this variant as likely pathogenic for autosomal recessive disease.

Women's Health and Genetics/Laboratory Corporation of America, LabCorp
Classification: Uncertain significance. Last evaluated: 2025-11-24. Review status: criteria provided, single submitter. Criteria: LabCorp Variant Classification Summary - May 2015. Collection method: clinical testing. Allele origin: germline.
Comment: Variant summary: ABCG8 c.1715T>C (p.Leu572Pro) results in a non-conservative amino acid change located in the ABC-2 type transporter, transmembrane domain (IPR013525) of the encoded protein sequence. Five of five in-silico tools predict a damaging effect of the variant on protein function. The variant allele was found at a frequency of 9.6e-05 in 250916 control chromosomes. This frequency is not significantly higher than estimated for a pathogenic variant in ABCG8 causing Early Onset Coronary Artery Disease (9.6e-05 vs 0.005), allowing no conclusion about variant significance. c.1715T>C has been reported in the literature in individuals affected with Sitosterolemia (Lu_2001) and familial hypercholesterolemia (Reeskamp_2020,Toton-Zuranska_2023). A recent GWAS-like study based on UK Biobank participants rejected the association of this variant and Sitosterolemia with macrothrombocytopenia (Stefanucci_2023). These data do not allow any conclusion about variant significance. To our knowledge, no experimental evidence demonstrating an impact on protein function has been reported. The following publications have been ascertained in the context of this evaluation (PMID: 11452359, 32088153, 37647632, 36648309). ClinVar contains an entry for this variant (Variation ID: 596947). Based on the evidence outlined above, the variant was classified as uncertain significance.

Labcorp Genetics (formerly Invitae), Labcorp
Classification: Pathogenic. Last evaluated: 2025-11-10. Review status: criteria provided, single submitter. Criteria: Invitae Variant Classification Sherloc (09022015). Collection method: clinical testing. Allele origin: germline.
Comment: This sequence change replaces leucine, which is neutral and non-polar, with proline, which is neutral and non-polar, at codon 572 of the ABCG8 protein (p.Leu572Pro). This variant is present in population databases (rs769576789, gnomAD 0.02%). This missense change has been observed in individual(s) with familial hypercholesterolemia and/or sitosterolemia (PMID: 11452359, 32088153, 36648309, 37888103). In at least one individual the data is consistent with being in trans (on the opposite chromosome) from a pathogenic variant. ClinVar contains an entry for this variant (Variation ID: 596947). Invitae Evidence Modeling of protein sequence and biophysical properties (such as structural, functional, and spatial information, amino acid conservation, physicochemical variation, residue mobility, and thermodynamic stability) indicates that this missense variant is expected to disrupt ABCG8 protein function with a positive predictive value of 80%. For these reasons, this variant has been classified as Pathogenic.

Ambry Genetics
Classification: Likely pathogenic for Cardiovascular phenotype. Last evaluated: 2024-11-15. Review status: criteria provided, single submitter. Criteria: Ambry Variant Classification Scheme 2023. Collection method: clinical testing. Allele origin: germline.
Comment: The p.L572P variant (also known as c.1715T>C), located in coding exon 11 of the ABCG8 gene, results from a T to C substitution at nucleotide position 1715. The leucine at codon 572 is replaced by proline, an amino acid with similar properties. This variant has been identified in the homozygous state and/or in conjunction with other ABCG8 variant(s) in individual(s) with features consistent with sitosterolemia (Lu K et al. Am J Hum Genet, 2001 Aug;69:278-90; Kratz M et al. Eur J Clin Nutr, 2007 Jul;61:896-905; Miroshnikova VV et al. J Pers Med, 2023 Oct;13). This amino acid position is highly conserved in available vertebrate species. In addition, this alteration is predicted to be deleterious by in silico analysis. This variant is considered to be rare based on population cohorts in the Genome Aggregation Database (gnomAD). Based on the majority of available evidence to date, this variant is likely to be pathogenic.

Revvity Omics, Revvity
Classification: Likely pathogenic for Sitosterolemia 1. Last evaluated: 2024-11-14. Review status: criteria provided, single submitter. Criteria: ACMG Guidelines, 2015. Collection method: clinical testing. Allele origin: germline.

Blueprint Genetics
Classification: Uncertain significance. Last evaluated: 2024-03-18. Review status: criteria provided, single submitter. Criteria: ACMG Guidelines, 2015. Collection method: clinical testing. Allele origin: germline.

Department of Pathology and Laboratory Medicine, Sinai Health System
Classification: Uncertain significance for sitosterolemia. Last evaluated: 2022-11-17. Review status: criteria provided, single submitter. Criteria: ACMG Guidelines, 2015. Collection method: research. Allele origin: germline.

GeneDx
Classification: Uncertain significance. Last evaluated: 2019-12-26. Review status: criteria provided, single submitter. Criteria: GeneDx Variant Classification Process June 2021. Collection method: clinical testing. Allele origin: germline. Affected: yes.
Comment: In silico analysis, which includes protein predictors and evolutionary conservation, supports a deleterious effect; This variant is associated with the following publications: (PMID: 20849526, 17228349, 11452359, 32088153)

Eurofins Ntd Llc (ga)
Classification: Uncertain significance. Last evaluated: 2018-04-24. Review status: criteria provided, single submitter. Criteria: EGL ClinVar v180209 classification definitions. Collection method: clinical testing. Allele origin: germline. Observed: 1 variant allele, 1 heterozygote.

Literature cited by the submitters: PubMed 11452359 (cited by 3 submitters); PubMed 32088153 (cited by 3 submitters); PubMed 37647632 (cited by Women's Health and Genetics/Laboratory Corporation of America, LabCorp); PubMed 36648309 (cited by 3 submitters); PubMed 37888103 (cited by Labcorp Genetics (formerly Invitae), Labcorp and Ambry Genetics); PubMed 17228349 (cited by Ambry Genetics); PubMed 35572556 (cited by Ambry Genetics); PubMed 36937651 (cited by Ambry Genetics).

NM_022437.3(ABCG8):c.1715T>C (p.Leu572Pro)

Gene: ABCG8 (ATP binding cassette subfamily G member 8; plus strand). Cytogenetic location: 2p21.
Variant type: single nucleotide variant.
Coding change: c.1715T>C on transcript NM_022437.3 (MANE Select); coding-DNA position 1715, T replaced by C.
Protein change: p.Leu572Pro; replaces leucine 572 with proline.
Molecular consequence: missense variant.
Genome position (GRCh38, 1-based): chr2:43,875,372, T>C. VCF-style: chr2-43875372-T-C. GRCh37 (hg19) VCF-style: chr2-44102511-T-C.
Other names: c.1712T>C, p.Leu571Pro (NM_001357321.2); short protein forms L572P, L571P.
Identifiers: ClinVar variation 596947 (VCV000596947.18), dbSNP rs769576789, ClinGen allele CA1637601.